The following is an entry in ClinVar:

ClinVar aggregate classification (germline): Uncertain significance (1 of 4 stars; one submission).

Conditions:
Inborn genetic diseases. Identifiers: MedGen C0950123, MeSH D030342.

Allele frequency attached by ClinVar (database versions not stated): TOPMed 0.00001.

Submission:

Ambry Genetics
Classification: Uncertain significance for Inborn genetic diseases. Last evaluated: 2019-11-06. Review status: criteria provided, single submitter. Criteria: Ambry Variant Classification Scheme 2023. Collection method: clinical testing. Allele origin: germline.
Comment: The p.P396L variant (also known as c.1187C>T), located in coding exon 7 of the INF2 gene, results from a C to T substitution at nucleotide position 1187. The proline at codon 396 is replaced by leucine, an amino acid with similar properties. This amino acid position is poorly conserved in available vertebrate species. In addition, this alteration is predicted to be tolerated by in silico analysis. Since supporting evidence is limited at this time, the clinical significance of this alteration remains unclear.

NM_022489.4(INF2):c.1187C>T (p.Pro396Leu)

Gene: INF2 (inverted formin 2; plus strand). Cytogenetic location: 14q32.33.
Variant type: single nucleotide variant.
Coding change: c.1187C>T on transcript NM_022489.4 (MANE Select); coding-DNA position 1187, C replaced by T.
Protein change: p.Pro396Leu; replaces proline 396 with leucine.
Molecular consequence: missense variant.
Genome position (GRCh38, 1-based): chr14:104,707,454, C>T. VCF-style: chr14-104707454-C-T. GRCh37 (hg19) VCF-style: chr14-105173791-C-T.
Other names: c.1187C>T, p.Pro396Leu (NM_001031714.4); short protein forms P396L.
Identifiers: ClinVar variation 1743750 (VCV001743750.2), dbSNP rs1889832513, ClinGen allele CA391216050.